The following is an entry in ClinVar:

NM_020442.6(VARS2):c.2786-6T>C

Gene: VARS2 (valyl-tRNA synthetase 2, mitochondrial; plus strand). Cytogenetic location: 6p21.33.
Variant type: single nucleotide variant.
Coding change: c.2786-6T>C on transcript NM_020442.6 (MANE Select); 6 bases into the intron before coding-DNA position 2786, T replaced by C.
Molecular consequence: intron variant.
Genome position (GRCh38, 1-based): chr6:30,925,538, T>C. VCF-style: chr6-30925538-T-C. GRCh37 (hg19) VCF-style: chr6-30893315-T-C.
Other names: c.2876-6T>C (NM_001167734.2); c.2366-6T>C (NM_001167733.3).
Identifiers: ClinVar variation 517868 (VCV000517868.33), dbSNP rs200168128, ClinGen allele CA3706396.

ClinVar aggregate classification (germline): Conflicting classifications of pathogenicity. Review status: criteria provided, conflicting classifications (1 of 4 stars). 5 submissions from 5 submitters: Uncertain significance (1); Likely benign (4). Last evaluated 2025-08-21.

Conditions:
Inborn genetic diseases. Identifiers: MedGen C0950123, MeSH D030342.

Allele frequency attached by ClinVar (database versions not stated): gnomAD 0.00028 and 0.00031; TOPMed 0.00028; ESP Exome Variant Server 0.00036; gnomAD exomes 0.00050; ExAC 0.00051.
gnomAD v4.1: 592 of 1,574,232 alleles (0.038%); highest among the groups gnomAD compares: Middle Eastern, 0.17%; no homozygotes.

Submissions (5):

Labcorp Genetics (formerly Invitae), Labcorp
Classification: Likely benign. Last evaluated: 2025-08-21. Review status: criteria provided, single submitter. Criteria: Invitae Variant Classification Sherloc (09022015). Collection method: clinical testing. Allele origin: germline.

Blueprint Genetics
Classification: Likely benign. Last evaluated: 2024-11-15. Review status: criteria provided, single submitter. Criteria: ACMG Guidelines, 2015. Collection method: clinical testing. Allele origin: germline.

CeGaT Center for Human Genetics Tuebingen
Classification: Likely benign. Last evaluated: 2024-07-01. Review status: criteria provided, single submitter. Criteria: CeGaT Center For Human Genetics Tuebingen Variant Classification Criteria Version 2. Collection method: clinical testing. Allele origin: germline. Affected: yes. Observed: 2 variant alleles.
Comment: VARS2: BP4

Ambry Genetics
Classification: Uncertain significance for Inborn genetic diseases. Last evaluated: 2024-05-07. Review status: criteria provided, single submitter. Criteria: Ambry Variant Classification Scheme 2023. Collection method: clinical testing. Allele origin: germline.
Comment: The c.2876-6T>C intronic alteration consists of a T to C substitution 6 nucleotides before coding exon 28 in the VARS2 gene. Based on insufficient or conflicting evidence, the clinical significance of this alteration remains unclear.

GeneDx
Classification: Likely benign. Last evaluated: 2021-04-17. Review status: criteria provided, single submitter. Criteria: GeneDx Variant Classification Process June 2021. Collection method: clinical testing. Allele origin: germline. Affected: yes.